The following is an entry in ClinVar:

NM_205836.3(FBXO38):c.712G>A (p.Val238Ile)

Gene: FBXO38 (F-box protein 38; plus strand). Cytogenetic location: 5q32.
Variant type: single nucleotide variant.
Coding change: c.712G>A on transcript NM_205836.3 (MANE Select); coding-DNA position 712, G replaced by A.
Protein change: p.Val238Ile; replaces valine 238 with isoleucine.
Molecular consequence: missense variant.
Genome position (GRCh38, 1-based): chr5:148,404,804, G>A. VCF-style: chr5-148404804-G-A. GRCh37 (hg19) VCF-style: chr5-147784367-G-A.
Other names: p.Val238Ile; c.712G>A, p.Val238Ile (NM_001271723.2, NM_030793.5); short protein forms V238I.
Identifiers: ClinVar variation 658578 (VCV000658578.17), dbSNP rs144890577, ClinGen allele CA3497099.

ClinVar aggregate classification (germline): Conflicting classifications of pathogenicity. Review status: criteria provided, conflicting classifications (1 of 4 stars). 6 submissions from 6 submitters: Uncertain significance (1); Likely benign (3). 2 of the submissions do not count toward it. Last evaluated 2025-10-27.

Conditions:
Distal hereditary motor neuropathy type 2. Identifiers: Orphanet 139525, MedGen C3711384, MeSH C580044, MONDO:0015352.

Allele frequency attached by ClinVar (database versions not stated): TOPMed 0.00009; ESP Exome Variant Server 0.00015.
gnomAD v4.1: 155 of 1,606,046 alleles (0.0097%); highest among the groups gnomAD compares: Middle Eastern, 0.017%; no homozygotes.

Submissions (6):

Labcorp Genetics (formerly Invitae), Labcorp
Classification: Likely benign for Distal hereditary motor neuropathy type 2. Last evaluated: 2025-10-27. Review status: criteria provided, single submitter. Criteria: Invitae Variant Classification Sherloc (09022015). Collection method: clinical testing. Allele origin: germline.

Mayo Clinic Laboratories, Mayo Clinic
Classification: Likely benign. Last evaluated: 2025-04-29. Review status: criteria provided, single submitter. Criteria: ACMG Guidelines, 2015. Collection method: clinical testing. Allele origin: germline. Observed: 1 variant allele.
Comment: BS2, BP4

GeneDx
Classification: Uncertain significance. Last evaluated: 2023-11-01. Review status: criteria provided, single submitter. Criteria: GeneDx Variant Classification Process June 2021. Collection method: clinical testing. Allele origin: germline. Affected: yes.
Comment: In silico analysis supports that this missense variant does not alter protein structure/function; Has not been previously published as pathogenic or benign to our knowledge; Variants in candidate genes are classified as variants of uncertain significance in accordance with ACMG guidelines (PMID: 25741868)

Ambry Genetics
Classification: Likely benign. Last evaluated: 2022-07-25. Review status: criteria provided, single submitter. Criteria: Ambry Variant Classification Scheme 2023. Collection method: clinical testing. Allele origin: germline.

Clinical Genetics, Academic Medical Center
Classification: Uncertain significance. Review status: no assertion criteria provided. Collection method: clinical testing. Allele origin: germline. Affected: yes. Study: VKGL Data-share Consensus. Not counted in ClinVar's aggregate classification.

Joint Genome Diagnostic Labs from Nijmegen and Maastricht, Radboudumc and MUMC+
Classification: Uncertain significance. Review status: no assertion criteria provided. Collection method: clinical testing. Allele origin: germline. Affected: yes. Study: VKGL Data-share Consensus. Not counted in ClinVar's aggregate classification.